The following is an entry in ClinVar:

ClinVar aggregate classification (germline): Uncertain significance (1 of 4 stars; one submission).

Submission:

CeGaT Center for Human Genetics Tuebingen
Classification: Uncertain significance. Last evaluated: 2026-01-01. Review status: criteria provided, single submitter. Criteria: CeGaT Center For Human Genetics Tuebingen Variant Classification Criteria Version 2. Collection method: clinical testing. Allele origin: germline. Affected: yes. Observed: 1 variant allele.
Comment: STAG2: PM2

NM_001042750.2(STAG2):c.1895G>C (p.Cys632Ser)

Gene: STAG2 (STAG2 cohesin complex component; plus strand). Cytogenetic location: Xq25.
Variant type: single nucleotide variant.
Coding change: c.1895G>C on transcript NM_001042750.2 (MANE Select); coding-DNA position 1895, G replaced by C.
Protein change: p.Cys632Ser; replaces cysteine 632 with serine.
Molecular consequence: missense variant.
Genome position (GRCh38, 1-based): chrX:124,063,921, G>C. VCF-style: chrX-124063921-G-C. GRCh37 (hg19) VCF-style: chrX-123197771-G-C.
Other names: c.1895G>C, p.Cys632Ser (NM_001042749.2, NM_001042751.2, NM_001282418.2 and 23 more transcripts); short protein forms C632S.
Identifiers: ClinVar variation 4823064 (VCV004823064.4).